The following is an entry in ClinVar:

NM_002617.4(PEX10):c.746G>A (p.Trp249Ter)

Gene: PEX10 (peroxisomal biogenesis factor 10; minus strand). Cytogenetic location: 1p36.32.
Variant type: single nucleotide variant.
Coding change: c.746G>A on transcript NM_002617.4 (MANE Select); coding-DNA position 746, G replaced by A.
Protein change: p.Trp249Ter; replaces tryptophan 249 with a stop codon.
Molecular consequence: nonsense. On other transcripts: non-coding transcript variant (1).
Genome position (GRCh38, 1-based): chr1:2,406,750, C>T on the plus strand (G>A on the coding strand, the complement: PEX10 is on the minus strand). VCF-style: chr1-2406750-C-T. GRCh37 (hg19) VCF-style: chr1-2338189-C-T.
Other names: c.806G>A (NM_153818.1); c.803G>A, p.Trp268Ter (NM_001374425.1); c.371G>A, p.Trp124Ter (NM_001374426.1); c.314G>A, p.Trp105Ter (NM_001374427.1); c.806G>A, p.Trp269Ter (NM_153818.2); short protein forms W105*, W124*, W249*, W268*, W269*.
Identifiers: ClinVar variation 2677660 (VCV002677660.6), dbSNP rs571178917, ClinGen allele CA538051.

ClinVar aggregate classification (germline): Pathogenic/Likely pathogenic. Review status: criteria provided, multiple submitters, no conflicts (2 of 4 stars). 4 submissions from 4 submitters: Pathogenic (2); Likely pathogenic (2). Last evaluated 2025-06-15.

Conditions:
Zellweger spectrum disorders (ZS). Also called: Zellweger Spectrum Disorder (ZSD); Zellweger Spectrum Disorder; Zellweger Spectrum; Zellweger syndrome. Identifiers: Orphanet 912, MedGen C0043459, MONDO:0019609.
Peroxisome biogenesis disorder, complementation group 7 (CG7). Also called: Peroxisome biogenesis disorder, complementation group B. Identifiers: MedGen C1864399.
Peroxisome biogenesis disorder 6A (Zellweger). Also called: Peroxisome biogenesis disorder 6A. Identifiers: Orphanet 912, MedGen C3553947, MONDO:0013936, OMIM 614870.
Peroxisome biogenesis disorder. Identifiers: Orphanet 79189, MedGen C1832200, MONDO:0019234. Disease mechanism: loss of function.

Allele frequency attached by ClinVar (database versions not stated): TOPMed 0.00001; ExAC 0.00001; gnomAD 0.00001; 1000 Genomes Project 30x 0.00016; 1000 Genomes Project 0.00020.
gnomAD v4.1: 4 of 1,609,724 alleles (0.00025%); highest among the groups gnomAD compares: African/African-American, 0.0013%; no homozygotes.

Submissions (4):

Natera, Inc.
Classification: Likely pathogenic for Zellweger syndrome. Last evaluated: 2025-06-15. Review status: criteria provided, single submitter. Criteria: Natera Variant Classification Schema (03/2026). Collection method: clinical testing. Allele origin: germline.
Comment: The c.806G>A variant in PEX10 is a nonsense variant predicted to introduce a stop codon at amino acid 269. This variant is expected to result in nonsense mediated decay, truncation, or a dysfunctional protein product. This variant is rare in the general population with a frequency below the threshold expected for the associated phenotype(s). Given the available evidence, this variant is classified as Likely Pathogenic.

Myriad Genetics, Inc.
Classification: Pathogenic for Peroxisome biogenesis disorder. Last evaluated: 2024-05-08. Review status: criteria provided, single submitter. Criteria: Myriad Autosomal Dominant, Autosomal Recessive and X-Linked Classification Criteria (2023). Collection method: clinical testing. Allele origin: unknown.
Comment: NM_153818.1(PEX10):c.806G>A(W269*) is expected to be pathogenic in the context of peroxisome biogenesis disorder type 6. This variant is predicted to lead to an abnormal or absent protein product due to the creation of a premature termination codon in PEX10, a gene where loss-of-function variants are known to be pathogenic. Please note: this variant was assessed in the context of healthy population screening.

Labcorp Genetics (formerly Invitae), Labcorp
Classification: Pathogenic for Peroxisome biogenesis disorder, complementation group 7. Last evaluated: 2023-06-30. Review status: criteria provided, single submitter. Criteria: Invitae Variant Classification Sherloc (09022015). Collection method: clinical testing. Allele origin: germline.
Comment: This sequence change creates a premature translational stop signal (p.Trp269*) in the PEX10 gene. It is expected to result in an absent or disrupted protein product. Loss-of-function variants in PEX10 are known to be pathogenic (PMID: 9683594, 10862081, 21031596). This variant is present in population databases (rs571178917, gnomAD 0.007%). This variant has not been reported in the literature in individuals affected with PEX10-related conditions. For these reasons, this variant has been classified as Pathogenic.

Baylor Genetics
Classification: Likely pathogenic for Peroxisome biogenesis disorder 6A (Zellweger). Last evaluated: 2022-01-23. Review status: criteria provided, single submitter. Criteria: ACMG Guidelines, 2015. Collection method: clinical testing. Allele origin: unknown.

Literature cited by the submitters: PubMed 9683594 (cited by Labcorp Genetics (formerly Invitae), Labcorp); PubMed 10862081 (cited by Labcorp Genetics (formerly Invitae), Labcorp); PubMed 21031596 (cited by Labcorp Genetics (formerly Invitae), Labcorp).